The following is an entry in ClinVar:

NM_181458.4(PAX3):c.103C>T (p.Gln35Ter)

Gene: PAX3 (paired box 3; minus strand). Cytogenetic location: 2q36.1.
Variant type: single nucleotide variant.
Coding change: c.103C>T on transcript NM_181458.4 (MANE Select); coding-DNA position 103, C replaced by T.
Protein change: p.Gln35Ter; replaces glutamine 35 with a stop codon.
Molecular consequence: nonsense.
Genome position (GRCh38, 1-based): chr2:222,297,196, G>A on the plus strand (C>T on the coding strand, the complement: PAX3 is on the minus strand). VCF-style: chr2-222297196-G-A. GRCh37 (hg19) VCF-style: chr2-223161915-G-A.
Other names: c.103C>T, p.Gln35Ter (NM_000438.6, NM_001127366.3, NM_013942.5 and 4 more transcripts); short protein forms Q35*.
Identifiers: ClinVar variation 3722852 (VCV003722852.2).

ClinVar aggregate classification (germline): Pathogenic (1 of 4 stars; one submission).

Submission:

Labcorp Genetics (formerly Invitae), Labcorp
Classification: Pathogenic. Last evaluated: 2024-10-13. Review status: criteria provided, single submitter. Criteria: Invitae Variant Classification Sherloc (09022015). Collection method: clinical testing. Allele origin: germline.
Comment: This sequence change creates a premature translational stop signal (p.Gln35*) in the PAX3 gene. It is expected to result in an absent or disrupted protein product. Loss-of-function variants in PAX3 are known to be pathogenic (PMID: 20127975, 23512835). This variant is not present in population databases (gnomAD no frequency). This variant has not been reported in the literature in individuals affected with PAX3-related conditions. For these reasons, this variant has been classified as Pathogenic.

Literature cited by the submitters: PubMed 20127975; PubMed 23512835.